The following is an entry in ClinVar:

NM_207346.3(TSEN54):c.457C>T (p.Leu153=)

Gene: TSEN54 (tRNA splicing endonuclease subunit 54; plus strand). Cytogenetic location: 17q25.1.
Variant type: single nucleotide variant.
Coding change: c.457C>T on transcript NM_207346.3 (MANE Select); coding-DNA position 457, C replaced by T.
Protein change: p.Leu153=; no amino-acid change (leucine 153 retained).
Molecular consequence: synonymous variant.
Genome position (GRCh38, 1-based): chr17:75,517,644, C>T. VCF-style: chr17-75517644-C-T. GRCh37 (hg19) VCF-style: chr17-73513725-C-T.
Other names: c.457C>T (NM_207346.2).
Identifiers: ClinVar variation 3009521 (VCV003009521.5), dbSNP rs1017310967, ClinGen allele CA294076365.

ClinVar aggregate classification (germline): Likely benign. Review status: criteria provided, single submitter (1 of 4 stars). 2 submissions from 2 submitters: Likely benign (1). 1 of the submissions does not count toward it. Last evaluated 2023-06-02.

Conditions:
TSEN54-related disorder. Also called: TSEN54-related condition.

Allele frequency attached by ClinVar (database versions not stated): gnomAD 0.00002; TOPMed 0.00002.
gnomAD v4.1: 11 of 1,613,674 alleles (0.00068%); highest among the groups gnomAD compares: Non-Finnish European, 0.00093%; no homozygotes.

Submissions (2):

Labcorp Genetics (formerly Invitae), Labcorp
Classification: Likely benign. Last evaluated: 2023-06-02. Review status: criteria provided, single submitter. Criteria: Invitae Variant Classification Sherloc (09022015). Collection method: clinical testing. Allele origin: germline.

PreventionGenetics, part of Exact Sciences
Classification: Likely benign for TSEN54-related condition. Last evaluated: 2021-03-03. Review status: no assertion criteria provided. Collection method: clinical testing. Allele origin: germline. Not counted in ClinVar's aggregate classification.
Comment: This variant is classified as likely benign based on ACMG/AMP sequence variant interpretation guidelines (Richards et al. 2015 PMID: 25741868, with internal and published modifications).